The following is an entry in ClinVar:

ClinVar aggregate classification (germline): Uncertain significance (1 of 4 stars; one submission).

Conditions:
Hereditary cancer-predisposing syndrome. Also called: Hereditary Cancer Syndrome; Hereditary neoplastic syndrome; Neoplastic Syndromes, Hereditary; Tumor predisposition. Identifiers: Orphanet 140162, MedGen C0027672, MeSH D009386, MONDO:0015356.

Submission:

Ambry Genetics
Classification: Uncertain significance for Hereditary cancer-predisposing syndrome. Last evaluated: 2026-07-27. Review status: criteria provided, single submitter. Criteria: Ambry Variant Classification Scheme 2023. Collection method: clinical testing. Allele origin: germline.
Comment: The p.Y801N variant (also known as c.2401T>A), located in coding exon 15 of the PTCH1 gene, results from a T to A substitution at nucleotide position 2401. The tyrosine at codon 801 is replaced by asparagine, an amino acid with dissimilar properties. This amino acid position is conserved. In addition, this alteration is predicted to be deleterious by in silico analysis. Based on the available evidence, the clinical significance of this variant remains unclear.

NM_000264.5(PTCH1):c.2401T>A (p.Tyr801Asn)

Genes: PTCH1 (patched 1; minus strand), LOC100507346 (uncharacterized LOC100507346; plus strand). Cytogenetic location: 9q22.32.
Variant type: single nucleotide variant.
Coding change: c.2401T>A on transcript NM_000264.5 (MANE Select); coding-DNA position 2401, T replaced by A.
Protein change: p.Tyr801Asn; replaces tyrosine 801 with asparagine.
Molecular consequence: missense variant.
Genome position (GRCh38, 1-based): chr9:95,467,275, A>T on the plus strand (T>A on the coding strand, the complement: PTCH1 is on the minus strand). VCF-style: chr9-95467275-A-T. GRCh37 (hg19) VCF-style: chr9-98229557-A-T.
Other names: c.2203T>A, p.Tyr735Asn (NM_001083602.3); c.2398T>A, p.Tyr800Asn (NM_001083603.3); c.1948T>A, p.Tyr650Asn (NM_001083604.3, NM_001083605.3, NM_001083606.3 and 1 more transcripts); c.2245T>A, p.Tyr749Asn (NM_001354918.2); short protein forms Y650N, Y749N, Y801N, Y735N, Y800N.
Identifiers: ClinVar variation 1790744 (VCV001790744.3), dbSNP rs2117963615, ClinGen allele CA374114339.